The following is an entry in ClinVar:

NM_000393.5(COL5A2):c.2137C>T (p.Arg713Ter)

Gene: COL5A2 (collagen type V alpha 2 chain; minus strand). Cytogenetic location: 2q32.2.
Variant type: single nucleotide variant.
Coding change: c.2137C>T on transcript NM_000393.5 (MANE Select); coding-DNA position 2137, C replaced by T.
Protein change: p.Arg713Ter; replaces arginine 713 with a stop codon.
Molecular consequence: nonsense.
Genome position (GRCh38, 1-based): chr2:189,058,521, G>A on the plus strand (C>T on the coding strand, the complement: COL5A2 is on the minus strand). VCF-style: chr2-189058521-G-A. GRCh37 (hg19) VCF-style: chr2-189923247-G-A.
Other names: short protein forms R713*.
Identifiers: ClinVar variation 2740545 (VCV002740545.3), dbSNP rs2469279533, ClinGen allele CA349875910.
Genomic context (GRCh38, chr2:189,058,521, plus strand): 5'-TTCCCTTCTCACCAGGGAGTCCAGTTATCCCAGGTTCTCCTCTTTCCCCAGGATTTCCTC[G>A]TTCTCCCTAGCACAAAATTGGGATGTCAAATAATCTCAATACTTGATCTAAAAATAGGTC-3'

ClinVar aggregate classification (germline): Pathogenic (1 of 4 stars; one submission).

Conditions:
Ehlers-Danlos syndrome, classic type, 1 (EDSCL1). Also called: EHLERS-DANLOS SYNDROME, GRAVIS TYPE; EHLERS-DANLOS SYNDROME, SEVERE CLASSIC TYPE; Ehlers-Danlos syndrome, type 1; Ehlers-Danlos Syndrome, Classic Type, COL5A1-Related; EDS I. Identifiers: MedGen C0268335, MONDO:0019567, OMIM 130000.

gnomAD v4.1: 2 of 1,613,150 alleles (0.00012%); highest among the groups gnomAD compares: Non-Finnish European, 0.00017%; no homozygotes.

Submission:

Labcorp Genetics (formerly Invitae), Labcorp
Classification: Pathogenic for Ehlers-Danlos syndrome, classic type, 1. Last evaluated: 2023-07-08. Review status: criteria provided, single submitter. Criteria: Invitae Variant Classification Sherloc (09022015). Collection method: clinical testing. Allele origin: germline.
Comment: This sequence change creates a premature translational stop signal (p.Arg713*) in the COL5A2 gene. It is expected to result in an absent or disrupted protein product. Loss-of-function variants in COL5A2 are known to be pathogenic (PMID: 23587214). This variant is not present in population databases (gnomAD no frequency). This variant has not been reported in the literature in individuals affected with COL5A2-related conditions. For these reasons, this variant has been classified as Pathogenic.

Literature cited by the submitters: PubMed 23587214.